The following is an entry in ClinVar:

ClinVar aggregate classification (germline): Uncertain significance (1 of 4 stars; one submission).

gnomAD v4.1: 1 of 1,612,906 alleles (0.000062%); highest among the groups gnomAD compares: Non-Finnish European, 0.000085%; no homozygotes.

Submission:

GeneDx
Classification: Uncertain significance. Last evaluated: 2023-12-27. Review status: criteria provided, single submitter. Criteria: GeneDx Variant Classification Process June 2021. Collection method: clinical testing. Allele origin: germline. Affected: yes.
Comment: Not observed at significant frequency in large population cohorts (gnomAD); Missense variants in this gene are a common cause of disease and they are underrepresented in the general population; In silico analysis supports that this missense variant has a deleterious effect on protein structure/function; Has not been previously published as pathogenic or benign to our knowledge; This substitution is predicted to be within the cytoplasmic loop between the second and third homologous domains

NM_001165963.4(SCN1A):c.3470T>C (p.Val1157Ala)

Genes: SCN1A (sodium voltage-gated channel alpha subunit 1; minus strand), LOC102724058 (uncharacterized LOC102724058; plus strand). Cytogenetic location: 2q24.3.
Variant type: single nucleotide variant.
Coding change: c.3470T>C on transcript NM_001165963.4 (MANE Select); coding-DNA position 3470, T replaced by C.
Protein change: p.Val1157Ala; replaces valine 1157 with alanine.
Molecular consequence: missense variant. On other transcripts: non-coding transcript variant (2).
Genome position (GRCh38, 1-based): chr2:166,015,687, A>G on the plus strand (T>C on the coding strand, the complement: SCN1A is on the minus strand). VCF-style: chr2-166015687-A-G. GRCh37 (hg19) VCF-style: chr2-166872197-A-G.
Other names: c.3386T>C, p.Val1129Ala (NM_001165964.3, NM_001353957.2, NM_001353958.2); c.3470T>C, p.Val1157Ala (NM_001202435.3, NM_001353948.2); c.3437T>C, p.Val1146Ala (NM_001353949.2, NM_001353950.2, NM_001353951.2 and 2 more transcripts); c.3434T>C, p.Val1145Ala (NM_001353954.2, NM_001353955.2); c.3383T>C, p.Val1128Ala (NM_001353960.2); c.1028T>C, p.Val343Ala (NM_001353961.2); short protein forms V1128A, V1129A, V1145A, V1146A, V1157A, V343A.
Identifiers: ClinVar variation 3370246 (VCV003370246.1).